The following is an entry in ClinVar:

ClinVar aggregate classification (germline): Likely pathogenic. Review status: criteria provided, multiple submitters, no conflicts (2 of 4 stars). 3 submissions from 3 submitters: Likely pathogenic (3). Last evaluated 2018-11-27.

Conditions:
Familial thoracic aortic aneurysm and aortic dissection (TAAD). Also called: Thoracic aortic aneurysms and dissections. Identifiers: Orphanet 91387, MedGen C4707243, MONDO:0019625.
Marfan syndrome (MFS). Also called: FBN1-Related Marfan Syndrome; Marfan syndrome type 1; Marfan's syndrome; Marfan syndrome, classic; MARFAN SYNDROME, TYPE I. Identifiers: Orphanet 284963, Orphanet 558, MedGen C0024796, MONDO:0007947, OMIM 154700.
Isolated thoracic aortic aneurysm.
FBN1-related disorder. Also called: FBN1-related disorders.

Submissions (3):

Blueprint Genetics
Classification: Likely pathogenic for FBN1-related disorders. Last evaluated: 2018-11-27. Review status: criteria provided, single submitter. Criteria: ACMG Guidelines, 2015. Collection method: clinical testing. Allele origin: germline. Affected: yes. Observed: 1 variant allele.

Department of Vascular Biology, Beijing Anzhen Hospital
Classification: Likely pathogenic for Isolated thoracic aortic aneurysm. Last evaluated: 2018-09-01. Review status: criteria provided, single submitter. Criteria: ACMG Guidelines, 2015. Collection method: research. Allele origin: germline. Affected: yes.

Labcorp Genetics (formerly Invitae), Labcorp
Classification: Likely pathogenic for Marfan syndrome; Familial thoracic aortic aneurysm and aortic dissection. Last evaluated: 2018-03-22. Review status: criteria provided, single submitter. Criteria: Invitae Variant Classification Sherloc (09022015). Collection method: clinical testing. Allele origin: germline.
Comment: This sequence change replaces cysteine with serine at codon 513 of the FBN1 protein (p.Cys513Ser). The cysteine residue is highly conserved and there is a moderate physicochemical difference between cysteine and serine. This variant is not present in population databases (ExAC no frequency). This variant has not been reported in the literature in individuals with FBN1-related disease. Algorithms developed to predict the effect of missense changes on protein structure and function do not agree on the potential impact of this missense change (SIFT: "Tolerated"; PolyPhen-2: "Probably Damaging"; Align-GVGD: "Class C0"). This variant affects a cysteine residue located within an epidermal-growth-factor (EGF)–like domain of the FBN1 protein. Cysteine residues in these domains have been shown to be involved in the formation of disulfide bridges, which are critical for FBN1 protein structure and stability (PMID: 10486319, 3495735, 4750422, 16677079). In addition, missense substitutions within the FBN1 EGF-like domains affecting cysteine residues are significantly overrepresented among patients with Marfan syndrome (PMID: 16571647, 17701892). In summary, the currently available evidence indicates that the variant is pathogenic, but additional data are needed to prove that conclusively. Therefore, this variant has been classified as Likely Pathogenic.

Literature cited by the submitters: PubMed 10486319 (cited by Labcorp Genetics (formerly Invitae), Labcorp); PubMed 3495735 (cited by Labcorp Genetics (formerly Invitae), Labcorp); PubMed 4750422 (cited by Labcorp Genetics (formerly Invitae), Labcorp); PubMed 16677079 (cited by Labcorp Genetics (formerly Invitae), Labcorp); PubMed 16571647 (cited by Labcorp Genetics (formerly Invitae), Labcorp); PubMed 17701892 (cited by Labcorp Genetics (formerly Invitae), Labcorp).

NM_000138.5(FBN1):c.1538G>C (p.Cys513Ser)

Gene: FBN1 (fibrillin 1; minus strand). Cytogenetic location: 15q21.1.
Variant type: single nucleotide variant.
Coding change: c.1538G>C on transcript NM_000138.5 (MANE Select); coding-DNA position 1538, G replaced by C.
Protein change: p.Cys513Ser; replaces cysteine 513 with serine.
Molecular consequence: missense variant.
Genome position (GRCh38, 1-based): chr15:48,513,599, C>G on the plus strand (G>C on the coding strand, the complement: FBN1 is on the minus strand). VCF-style: chr15-48513599-C-G. GRCh37 (hg19) VCF-style: chr15-48805796-C-G.
Other names: short protein forms C513S.
Identifiers: ClinVar variation 581985 (VCV000581985.12), dbSNP rs1060501036, ClinGen allele CA392342362.